The following is an entry in ClinVar:

NM_001199267.2(DGKZ):c.2254C>G (p.Pro752Ala)

Gene: DGKZ (diacylglycerol kinase zeta; plus strand). Cytogenetic location: 11p11.2.
Variant type: single nucleotide variant.
Coding change: c.2254C>G on transcript NM_001199267.2 (MANE Select); coding-DNA position 2254, C replaced by G.
Protein change: p.Pro752Ala; replaces proline 752 with alanine.
Molecular consequence: missense variant.
Genome position (GRCh38, 1-based): chr11:46,377,127, C>G. VCF-style: chr11-46377127-C-G. GRCh37 (hg19) VCF-style: chr11-46398677-C-G.
Other names: c.2821C>G, p.Pro941Ala (NM_001105540.2); c.2257C>G, p.Pro753Ala (NM_001199266.2, NM_003646.4); c.2188C>G, p.Pro730Ala (NM_001199268.2); c.2305C>G, p.Pro769Ala (NM_201532.3); c.2269C>G, p.Pro757Ala (NM_201533.3); short protein forms P752A, P757A, P753A, P769A, P941A, P730A.
Identifiers: ClinVar variation 2118458 (VCV002118458.4), dbSNP rs2496569622, ClinGen allele CA380226211.

ClinVar aggregate classification (germline): Uncertain significance (1 of 4 stars; one submission).

Submission:

Labcorp Genetics (formerly Invitae), Labcorp
Classification: Uncertain significance. Last evaluated: 2022-03-29. Review status: criteria provided, single submitter. Criteria: Invitae Variant Classification Sherloc (09022015). Collection method: clinical testing. Allele origin: germline.
Comment: In summary, the available evidence is currently insufficient to determine the role of this variant in disease. Therefore, it has been classified as a Variant of Uncertain Significance. This sequence change replaces proline, which is neutral and non-polar, with alanine, which is neutral and non-polar, at codon 941 of the DGKZ protein (p.Pro941Ala). This variant is not present in population databases (gnomAD no frequency). This variant has not been reported in the literature in individuals affected with DGKZ-related conditions. Algorithms developed to predict the effect of missense changes on protein structure and function are either unavailable or do not agree on the potential impact of this missense change (SIFT: "Tolerated"; PolyPhen-2: "Possibly Damaging"; Align-GVGD: "Class C0").